The following is an entry in ClinVar:

ClinVar aggregate classification (germline): Uncertain significance. Review status: criteria provided, multiple submitters, no conflicts (2 of 4 stars). 2 submissions from 2 submitters: Uncertain significance (2). Last evaluated 2026-07-07.

Conditions:
Familial adenomatous polyposis 1 (FAP1). Also called: FAMILIAL ADENOMATOUS POLYPOSIS 1, ATTENUATED; POLYPOSIS, ADENOMATOUS INTESTINAL. Identifiers: MedGen C2713442, MONDO:0021056, OMIM 175100. Disease mechanism: loss of function.
Hereditary cancer-predisposing syndrome. Also called: Hereditary neoplastic syndrome; Neoplastic Syndromes, Hereditary; Tumor predisposition; Hereditary Cancer Syndrome. Identifiers: Orphanet 140162, MedGen C0027672, MeSH D009386, MONDO:0015356.

Submissions (2):

Ambry Genetics
Classification: Uncertain significance for Hereditary cancer-predisposing syndrome. Last evaluated: 2026-07-07. Review status: criteria provided, single submitter. Criteria: Ambry Variant Classification Scheme 2023. Collection method: clinical testing. Allele origin: germline.
Comment: The p.S2110F variant (also known as c.6329C>T), located in coding exon 15 of the APC gene, results from a C to T substitution at nucleotide position 6329. The serine at codon 2110 is replaced by phenylalanine, an amino acid with highly dissimilar properties. This amino acid position is conserved. In addition, in silico predictors for this gene do not accurately predict pathogenicity. Based on the available evidence, the clinical significance of this variant remains unclear.

Labcorp Genetics (formerly Invitae), Labcorp
Classification: Uncertain significance for Familial adenomatous polyposis 1. Last evaluated: 2025-10-01. Review status: criteria provided, single submitter. Criteria: Invitae Variant Classification Sherloc (09022015). Collection method: clinical testing. Allele origin: germline.
Comment: This sequence change replaces serine, which is neutral and polar, with phenylalanine, which is neutral and non-polar, at codon 2110 of the APC protein (p.Ser2110Phe). This variant is not present in population databases (gnomAD no frequency). This variant has not been reported in the literature in individuals affected with APC-related conditions. ClinVar contains an entry for this variant (Variation ID: 3635499). Invitae Evidence Modeling of protein sequence and biophysical properties (such as structural, functional, and spatial information, amino acid conservation, physicochemical variation, residue mobility, and thermodynamic stability) has been performed for this missense variant. However, the output from this modeling did not meet the statistical confidence thresholds required to predict the impact of this variant on APC protein function. In summary, the available evidence is currently insufficient to determine the role of this variant in disease. Therefore, it has been classified as a Variant of Uncertain Significance.

NM_000038.6(APC):c.6329C>T (p.Ser2110Phe)

Gene: APC (APC regulator of Wnt signaling pathway; plus strand). Cytogenetic location: 5q22.2.
Variant type: single nucleotide variant.
Coding change: c.6329C>T on transcript NM_000038.6 (MANE Select); coding-DNA position 6329, C replaced by T.
Protein change: p.Ser2110Phe; replaces serine 2110 with phenylalanine.
Molecular consequence: missense variant. On other transcripts: non-coding transcript variant (2).
Genome position (GRCh38, 1-based): chr5:112,841,923, C>T. VCF-style: chr5-112841923-C-T. GRCh37 (hg19) VCF-style: chr5-112177620-C-T.
Other names: c.6359C>T, p.Ser2120Phe (NM_001354897.2); c.6254C>T, p.Ser2085Phe (NM_001354898.2); c.6245C>T, p.Ser2082Phe (NM_001354899.2); c.6206C>T, p.Ser2069Phe (NM_001354900.2); c.6152C>T, p.Ser2051Phe (NM_001354901.2, NM_001407453.1); c.6056C>T, p.Ser2019Phe (NM_001354902.2); c.6026C>T, p.Ser2009Phe (NM_001354903.2, NM_001407458.1, NM_001407459.1 and 1 more transcripts); c.5951C>T, p.Ser1984Phe (NM_001354904.2); and 12 more; short protein forms S1827F, S1950F, S1981F, S2019F, S2069F, S2082F, S2085F, S2110F.
Identifiers: ClinVar variation 3635499 (VCV003635499.3).